The following is an entry in ClinVar:

ClinVar aggregate classification (germline): Uncertain significance (1 of 4 stars; one submission).

Submission:

Women's Health and Genetics/Laboratory Corporation of America, LabCorp
Classification: Uncertain significance. Last evaluated: 2024-11-20. Review status: criteria provided, single submitter. Criteria: LabCorp Variant Classification Summary - May 2015. Collection method: clinical testing. Allele origin: germline.
Comment: Variant summary: MYO7A c.252C>G (p.Asn84Lys) results in a non-conservative amino acid change in the encoded protein sequence. Five of five in-silico tools predict a damaging effect of the variant on protein function. The variant allele was found at a frequency of 5.7e-06 in 175748 control chromosomes. c.252C>G has been reported in the literature in at least one homozygous individual affected with Usher Syndrome (Riazuddin_2008). These data indicate that the variant may be associated with disease. To our knowledge, no experimental evidence demonstrating an impact on protein function has been reported. The following publication has been ascertained in the context of this evaluation (PMID: 18181211). No submitters have cited clinical-significance assessments for this variant to ClinVar. Based on the evidence outlined above, the variant was classified as VUS-possibly pathogenic.

Literature cited by the submitters: PubMed 18181211.

NM_000260.4(MYO7A):c.252C>G (p.Asn84Lys)

Gene: MYO7A (myosin VIIA; plus strand). Cytogenetic location: 11q13.5.
Variant type: single nucleotide variant.
Coding change: c.252C>G on transcript NM_000260.4 (MANE Select); coding-DNA position 252, C replaced by G.
Protein change: p.Asn84Lys; replaces asparagine 84 with lysine.
Molecular consequence: missense variant.
Genome position (GRCh38, 1-based): chr11:77,147,917, C>G. VCF-style: chr11-77147917-C-G. GRCh37 (hg19) VCF-style: chr11-76858963-C-G.
Other names: c.252C>G, p.Asn84Lys (NM_001127180.2); c.219C>G, p.Asn73Lys (NM_001369365.1); short protein forms N73K, N84K.
Identifiers: ClinVar variation 3629953 (VCV003629953.1).